The following is an entry in ClinVar:

NM_006005.3(WFS1):c.2620G>C (p.Ala874Pro)

Gene: WFS1 (wolframin ER transmembrane glycoprotein; plus strand). Cytogenetic location: 4p16.1.
Variant type: single nucleotide variant.
Coding change: c.2620G>C on transcript NM_006005.3 (MANE Select); coding-DNA position 2620, G replaced by C.
Protein change: p.Ala874Pro; replaces alanine 874 with proline.
Molecular consequence: missense variant.
Genome position (GRCh38, 1-based): chr4:6,302,415, G>C. VCF-style: chr4-6302415-G-C. GRCh37 (hg19) VCF-style: chr4-6304142-G-C.
Other names: c.2620G>C, p.Ala874Pro (NM_001145853.1); short protein forms A874P.
Identifiers: ClinVar variation 1320979 (VCV001320979.2), dbSNP rs200775335, ClinGen allele CA356179517.
Genomic context (GRCh38, chr4:6,302,415, plus strand): 5'-CTCTCACCCACCAGGCGGCACGTGAAGATCGAGCACGACTGGCGCAGCACCGTGCATGGC[G>C]CCGTGAAGTTCGCCTTCGACTTCTTTTTCTTCCCATTCCTGTCGGCGGCCTGAGGATGGT-3'
Protein context (NP_005996.2, residues 864-884): EHDWRSTVHG[Ala874Pro]VKFAFDFFFF

ClinVar aggregate classification (germline): Uncertain significance (1 of 4 stars; one submission).

gnomAD v4.1: 5 of 1,613,218 alleles (0.00031%); highest among the groups gnomAD compares: Non-Finnish European, 0.00042%; no homozygotes.

Submission:

GeneDx
Classification: Uncertain significance. Last evaluated: 2021-04-27. Review status: criteria provided, single submitter. Criteria: GeneDx Variant Classification Process June 2021. Collection method: clinical testing. Allele origin: germline. Affected: yes.
Comment: Not observed in large population cohorts (Lek et al., 2016); In silico analysis supports that this missense variant has a deleterious effect on protein structure/function; Has not been previously published as pathogenic or benign to our knowledge